The following is an entry in ClinVar:

ClinVar aggregate classification (germline): Uncertain significance (1 of 4 stars; one submission).

Submission:

GeneDx
Classification: Uncertain significance. Last evaluated: 2024-04-01. Review status: criteria provided, single submitter. Criteria: GeneDx Variant Classification Process June 2021. Collection method: clinical testing. Allele origin: germline. Affected: yes.
Comment: Not observed at significant frequency in large population cohorts (gnomAD); In silico analysis supports that this missense variant does not alter protein structure/function; Has not been previously published as pathogenic or benign to our knowledge

NM_001375524.1(TRRAP):c.10383C>G (p.Ile3461Met)

Gene: TRRAP (transformation/transcription domain associated protein; plus strand). Cytogenetic location: 7q22.1.
Variant type: single nucleotide variant.
Coding change: c.10383C>G on transcript NM_001375524.1 (MANE Select); coding-DNA position 10383, C replaced by G.
Protein change: p.Ile3461Met; replaces isoleucine 3461 with methionine.
Molecular consequence: missense variant.
Genome position (GRCh38, 1-based): chr7:99,004,263, C>G. VCF-style: chr7-99004263-C-G. GRCh37 (hg19) VCF-style: chr7-98601886-C-G.
Other names: c.10341C>G, p.Ile3447Met (NM_001244580.2); c.10254C>G, p.Ile3418Met (NM_003496.4); short protein forms I3418M, I3447M, I3461M.
Identifiers: ClinVar variation 3371623 (VCV003371623.1).